The following is an entry in ClinVar:

ClinVar aggregate classification (germline): Benign (1 of 4 stars; one submission).

Allele frequency attached by ClinVar (database versions not stated): gnomAD 0.01513 and 0.01632; 1000 Genomes Project 0.01597; 1000 Genomes Project 30x 0.01655; TOPMed 0.01757.

Submission:

GeneDx
Classification: Benign. Last evaluated: 2018-06-16. Review status: criteria provided, single submitter. Criteria: GeneDx Variant Classification (06012015). Collection method: clinical testing. Allele origin: germline. Affected: yes.
Comment: This variant is considered likely benign or benign based on one or more of the following criteria: it is a conservative change, it occurs at a poorly conserved position in the protein, it is predicted to be benign by multiple in silico algorithms, and/or has population frequency not consistent with disease.

NM_002206.3(ITGA7):c.2535+321C>G

Genes: ITGA7 (integrin subunit alpha 7; minus strand), LOC126861535 (CDK7 strongly-dependent group 2 enhancer GRCh37_chr12:56087579-56088778; plus strand). Cytogenetic location: 12q13.2.
Variant type: single nucleotide variant.
Coding change: c.2535+321C>G on transcript NM_002206.3 (MANE Select); 321 bases into the intron after coding-DNA position 2535, C replaced by G.
Molecular consequence: intron variant.
Genome position (GRCh38, 1-based): chr12:55,693,700, G>C on the plus strand (C>G on the coding strand, the complement: ITGA7 is on the minus strand). VCF-style: chr12-55693700-G-C. GRCh37 (hg19) VCF-style: chr12-56087484-G-C.
Other names: c.2256+321C>G (NM_001144997.2); c.2208+321C>G (NM_001367993.1); c.2196+321C>G (NM_001414035.1); c.2352+321C>G (NM_001414033.1); c.1191+321C>G (NM_001367994.1); c.2415+321C>G (NM_001414032.1); c.2448+321C>G (NM_001414031.1); c.2517+321C>G (NM_001374465.1); and 5 more.
Identifiers: ClinVar variation 673611 (VCV000673611.1), dbSNP rs7963485, ClinGen allele CA237567869.